The following is an entry in ClinVar:

NM_000516.7(GNAS):c.75del (p.Ile26fs)

Gene: GNAS (GNAS complex locus; plus strand). Cytogenetic location: 20q13.32.
Variant type: Deletion.
Coding change: c.75del on transcript NM_000516.7 (MANE Select); coding-DNA position 75, one base deleted (G; older notation c.75delG).
Protein change: p.Ile26fs; shifts the reading frame from isoleucine 26.
Molecular consequence: frameshift variant. On other transcripts: intron variant (8).
Genome position (GRCh38, 1-based): chr20:58,891,801, G deleted. VCF-style (leftmost placement, unchanged base first): chr20-58891800-AG-A. GRCh37 (hg19) VCF-style: chr20-57466855-AG-A.
Other names: c.75del, p.Ile26fs (NM_001077488.5, NM_001077489.4, NM_001309842.2 and 1 more transcripts); c.*43-3811del (NM_016592.5); c.44-3811del (NM_001410912.1); c.-38-3811del (NM_001309861.2); c.*1-3811del (NM_001077490.3); c.2069-3811del (NM_080425.4, NM_001410913.1); c.*159-3811del (NM_001309883.1); c.-39+2448del (NM_001309840.2); short protein forms I26fs.
Identifiers: ClinVar variation 3662431 (VCV003662431.2).

ClinVar aggregate classification (germline): Pathogenic (1 of 4 stars; one submission).

Submission:

Labcorp Genetics (formerly Invitae), Labcorp
Classification: Pathogenic. Last evaluated: 2024-08-14. Review status: criteria provided, single submitter. Criteria: Invitae Variant Classification Sherloc (09022015). Collection method: clinical testing. Allele origin: germline.
Comment: This sequence change creates a premature translational stop signal (p.Ile26Serfs*32) in the GNAS gene. It is expected to result in an absent or disrupted protein product. Loss-of-function variants in GNAS are known to be pathogenic (PMID: 11784876, 23281139, 23796510, 25802881). This variant is not present in population databases (gnomAD no frequency). This variant has not been reported in the literature in individuals affected with GNAS-related conditions. For these reasons, this variant has been classified as Pathogenic.

Literature cited by the submitters: PubMed 11784876; PubMed 23281139; PubMed 23796510; PubMed 25802881.